The following is an entry in ClinVar:

ClinVar aggregate classification (germline): Uncertain significance. Review status: criteria provided, multiple submitters, no conflicts (2 of 4 stars). 3 submissions from 3 submitters: Uncertain significance (3). Last evaluated 2024-09-11.

Conditions:
Hereditary cancer-predisposing syndrome. Also called: Tumor predisposition; Hereditary Cancer Syndrome; Hereditary neoplastic syndrome; Neoplastic Syndromes, Hereditary. Identifiers: Orphanet 140162, MedGen C0027672, MeSH D009386, MONDO:0015356.
Classic or attenuated familial adenomatous polyposis. Identifiers: MedGen CN372698, MONDO:0021057.
Familial adenomatous polyposis 1 (FAP1). Also called: FAMILIAL ADENOMATOUS POLYPOSIS 1, ATTENUATED; POLYPOSIS, ADENOMATOUS INTESTINAL. Identifiers: MedGen C2713442, MONDO:0021056, OMIM 175100. Disease mechanism: loss of function.

Submissions (3):

All of Us Research Program, National Institutes of Health
Classification: Uncertain significance for Classic or attenuated familial adenomatous polyposis. Last evaluated: 2024-09-11. Review status: criteria provided, single submitter. Criteria: ACMG Guidelines, 2015. Collection method: clinical testing. Allele origin: germline. Inheritance: Autosomal dominant inheritance. Observed: 2 variant alleles, 2 heterozygotes.
Comment: This missense variant replaces glutamine with lysine at codon 2478 of the APC protein. Computational prediction suggests that this variant may not impact protein structure and function (internally defined REVEL score threshold <= 0.5, PMID: 27666373). To our knowledge, functional studies have not been reported for this variant. This variant has not been reported in individuals affected with APC-related disorders in the literature. This variant has not been identified in the general population by the Genome Aggregation Database (gnomAD). The available evidence is insufficient to determine the role of this variant in disease conclusively. Therefore, this variant is classified as a Variant of Uncertain Significance.

This study involves interpretation of variants in research participants for the purpose of population health screening. Participant phenotype was not available at the time of variant classification. Additional details can be found in publication PMID: 35346344, PMCID: PMC8962531

Ambry Genetics
Classification: Uncertain significance for Hereditary cancer-predisposing syndrome. Last evaluated: 2023-03-20. Review status: criteria provided, single submitter. Criteria: Ambry Variant Classification Scheme 2023. Collection method: clinical testing. Allele origin: germline.
Comment: The p.Q2478K variant (also known as c.7432C>A), located in coding exon 15 of the APC gene, results from a C to A substitution at nucleotide position 7432. The glutamine at codon 2478 is replaced by lysine, an amino acid with similar properties. This amino acid position is conserved. In addition, in silico predictors for this gene do not accurately predict pathogenicity. Since supporting evidence is limited at this time, the clinical significance of this alteration remains unclear.

Labcorp Genetics (formerly Invitae), Labcorp
Classification: Uncertain significance for Familial adenomatous polyposis 1. Last evaluated: 2022-03-10. Review status: criteria provided, single submitter. Criteria: Invitae Variant Classification Sherloc (09022015). Collection method: clinical testing. Allele origin: germline.
Comment: This sequence change replaces glutamine, which is neutral and polar, with lysine, which is basic and polar, at codon 2478 of the APC protein (p.Gln2478Lys). In summary, the available evidence is currently insufficient to determine the role of this variant in disease. Therefore, it has been classified as a Variant of Uncertain Significance. Algorithms developed to predict the effect of missense changes on protein structure and function (SIFT, PolyPhen-2, Align-GVGD) all suggest that this variant is likely to be disruptive. This variant has not been reported in the literature in individuals affected with APC-related conditions. This variant is not present in population databases (gnomAD no frequency).

NM_000038.6(APC):c.7432C>A (p.Gln2478Lys)

Gene: APC (APC regulator of Wnt signaling pathway; plus strand). Cytogenetic location: 5q22.2.
Variant type: single nucleotide variant.
Coding change: c.7432C>A on transcript NM_000038.6 (MANE Select); coding-DNA position 7432, C replaced by A.
Protein change: p.Gln2478Lys; replaces glutamine 2478 with lysine.
Molecular consequence: missense variant.
Genome position (GRCh38, 1-based): chr5:112,843,026, C>A. VCF-style: chr5-112843026-C-A. GRCh37 (hg19) VCF-style: chr5-112178723-C-A.
Other names: c.7432C>A, p.Gln2478Lys (NM_001127510.3, NM_001354895.2); c.7378C>A, p.Gln2460Lys (NM_001127511.3); c.7486C>A, p.Gln2496Lys (NM_001354896.2); c.7462C>A, p.Gln2488Lys (NM_001354897.2); c.7357C>A, p.Gln2453Lys (NM_001354898.2); c.7348C>A, p.Gln2450Lys (NM_001354899.2); c.7309C>A, p.Gln2437Lys (NM_001354900.2); c.7255C>A, p.Gln2419Lys (NM_001354901.2); and 6 more; short protein forms Q2195K, Q2318K, Q2377K, Q2387K, Q2450K, Q2460K, Q2419K, Q2453K.
Identifiers: ClinVar variation 1478824 (VCV001478824.9), dbSNP rs867450516, ClinGen allele CA16037503.